The following is an entry in ClinVar:

NM_001370259.2(MEN1):c.625del (p.Gln209fs)

Genes: MAP4K2 (mitogen-activated protein kinase kinase kinase kinase 2; minus strand), MEN1 (menin 1; minus strand). Cytogenetic location: 11q13.1.
Variant type: Deletion.
Coding change: c.625del on transcript NM_001370259.2 (MANE Select); coding-DNA position 625, one base deleted (C; older notation c.625delC).
Protein change: p.Gln209fs; shifts the reading frame from glutamine 209.
Molecular consequence: frameshift variant. On other transcripts: intron variant (2).
Genome position (GRCh38, 1-based): chr11:64,807,920, G deleted on the plus strand (C on the coding strand, the reverse complement: MEN1 is on the minus strand); the first of 2 consecutive G bases (chr11:64,807,920-64,807,921); deleting either gives the same sequence. VCF-style (leftmost placement, unchanged base first): chr11-64807919-TG-T. GRCh37 (hg19) VCF-style: chr11-64575391-TG-T.
Other names: c.625delC (NM_130799.2); c.640del, p.Gln214fs (NM_000244.4, NM_130800.3, NM_130801.3 and 3 more transcripts); c.625del, p.Gln209fs (NM_001370251.2, NM_001370260.2, NM_001370261.2 and 1 more transcripts); c.549+76del (NM_001370263.2, NM_001370262.2); short protein forms Q209fs, Q214fs.
Identifiers: ClinVar variation 428084 (VCV000428084.7), dbSNP rs1114167538, ClinGen allele CA645369573.

ClinVar aggregate classification (germline): Pathogenic. Review status: criteria provided, multiple submitters, no conflicts (2 of 4 stars). 3 submissions from 3 submitters: Pathogenic (3). Last evaluated 2024-11-18.

Conditions:
Hereditary cancer-predisposing syndrome. Also called: Hereditary neoplastic syndrome; Tumor predisposition; Neoplastic Syndromes, Hereditary; Hereditary Cancer Syndrome. Identifiers: Orphanet 140162, MedGen C0027672, MeSH D009386, MONDO:0015356.
Multiple endocrine neoplasia, type 1 (MEN1). Also called: MEN I; Endocrine adenomatosis multiple; MEN 1; WERMER SYNDROME; MEA I. Identifiers: Orphanet 652, MedGen C0025267, MeSH D018761, MONDO:0007540, OMIM 131100.

Submissions (3):

Labcorp Genetics (formerly Invitae), Labcorp
Classification: Pathogenic for Multiple endocrine neoplasia, type 1. Last evaluated: 2024-11-18. Review status: criteria provided, single submitter. Criteria: Invitae Variant Classification Sherloc (09022015). Collection method: clinical testing. Allele origin: germline.
Comment: This sequence change creates a premature translational stop signal (p.Gln209Argfs*15) in the MEN1 gene. It is expected to result in an absent or disrupted protein product. Loss-of-function variants in MEN1 are known to be pathogenic (PMID: 12112656, 17853334). This variant is not present in population databases (gnomAD no frequency). This premature translational stop signal has been observed in individual(s) with MEN1-related conditions (PMID: 9709921). This variant is also known as 734delC. ClinVar contains an entry for this variant (Variation ID: 428084). For these reasons, this variant has been classified as Pathogenic.

Institute of Medical Genetics and Applied Genomics, University Hospital Tübingen
Classification: Pathogenic for Multiple endocrine neoplasia, type 1. Last evaluated: 2024-02-09. Review status: criteria provided, single submitter. Criteria: ACMG Guidelines, 2015. Collection method: clinical testing. Allele origin: germline. Inheritance: Autosomal dominant inheritance. Affected: yes.

Ambry Genetics
Classification: Pathogenic for Hereditary cancer-predisposing syndrome. Last evaluated: 2013-05-22. Review status: criteria provided, single submitter. Criteria: Ambry Autosomal Dominant and X-Linked criteria (10/2015). Collection method: clinical testing. Allele origin: germline. Observed: 1 variant allele.
Comment: This alteration is expected to result in loss of function by premature protein truncation or nonsense-mediatedâ€¯mRNAâ€¯decay.â€¯As such, this alteration is interpreted as a disease-causing mutation.

Literature cited by the submitters: PubMed 12112656 (cited by Labcorp Genetics (formerly Invitae), Labcorp); PubMed 17853334 (cited by Labcorp Genetics (formerly Invitae), Labcorp); PubMed 9709921 (cited by Labcorp Genetics (formerly Invitae), Labcorp).